The following is an entry in ClinVar:

NM_020458.4(TTC7A):c.1922G>A (p.Gly641Asp)

Gene: TTC7A (tetratricopeptide repeat domain 7A; plus strand). Cytogenetic location: 2p21.
Variant type: single nucleotide variant.
Coding change: c.1922G>A on transcript NM_020458.4 (MANE Select); coding-DNA position 1922, G replaced by A.
Protein change: p.Gly641Asp; replaces glycine 641 with aspartic acid.
Molecular consequence: missense variant.
Genome position (GRCh38, 1-based): chr2:47,049,951, G>A. VCF-style: chr2-47049951-G-A. GRCh37 (hg19) VCF-style: chr2-47277090-G-A.
Other names: c.1994G>A, p.Gly665Asp (NM_001288951.2); c.1820G>A, p.Gly607Asp (NM_001288953.2); c.860G>A, p.Gly287Asp (NM_001288955.2); short protein forms G607D, G665D, G287D, G641D.
Identifiers: ClinVar variation 845677 (VCV000845677.10), dbSNP rs1682706568, ClinGen allele CA346712856.
Genomic context (GRCh38, chr2:47,049,951, plus strand): 5'-GGGCCCTGTGATGCTAGCCCTCTACCTTACCGGACCCTGGCCCTCTTTTGCCTTCCAGAG[G>A]CCTAGAAAAGGATGGCAGCTTCGGTGAGGGCCTCACCATGAAGAAGCAGAGTGGCATGCA-3'
Protein context (NP_065191.2, residues 631-651): QTLYSFSQLG[Gly641Asp]LEKDGSFGEG

ClinVar aggregate classification (germline): Uncertain significance (1 of 4 stars; one submission).

Conditions:
Multiple gastrointestinal atresias. Also called: Multiple intestinal atresia; FAMILIAL INTESTINAL POLYATRESIA SYNDROME. Identifiers: Orphanet 2300, MedGen C0220744, MONDO:0009465.

gnomAD v4.1: 1 of 1,613,980 alleles (0.000062%); highest among the groups gnomAD compares: Non-Finnish European, 0.000085%; no homozygotes.

Submission:

Labcorp Genetics (formerly Invitae), Labcorp
Classification: Uncertain significance for Multiple gastrointestinal atresias. Last evaluated: 2022-02-05. Review status: criteria provided, single submitter. Criteria: Invitae Variant Classification Sherloc (09022015). Collection method: clinical testing. Allele origin: germline.
Comment: In summary, the available evidence is currently insufficient to determine the role of this variant in disease. Therefore, it has been classified as a Variant of Uncertain Significance. Algorithms developed to predict the effect of missense changes on protein structure and function (SIFT, PolyPhen-2, Align-GVGD) all suggest that this variant is likely to be tolerated. ClinVar contains an entry for this variant (Variation ID: 845677). This variant has not been reported in the literature in individuals affected with TTC7A-related conditions. This variant is not present in population databases (gnomAD no frequency). This sequence change replaces glycine, which is neutral and non-polar, with aspartic acid, which is acidic and polar, at codon 641 of the TTC7A protein (p.Gly641Asp).